The following is an entry in ClinVar:

ClinVar aggregate classification (germline): Uncertain significance (1 of 4 stars; one submission).

Allele frequency attached by ClinVar (database versions not stated): gnomAD exomes below 0.00001.
gnomAD v4.1: 4 of 1,613,810 alleles (0.00025%); highest among the groups gnomAD compares: Non-Finnish European, 0.00017%; 1 homozygote.

Submission:

Labcorp Genetics (formerly Invitae), Labcorp
Classification: Uncertain significance. Last evaluated: 2022-08-19. Review status: criteria provided, single submitter. Criteria: Invitae Variant Classification Sherloc (09022015). Collection method: clinical testing. Allele origin: germline.
Comment: In summary, the available evidence is currently insufficient to determine the role of this variant in disease. Therefore, it has been classified as a Variant of Uncertain Significance. Algorithms developed to predict the effect of missense changes on protein structure and function are either unavailable or do not agree on the potential impact of this missense change (SIFT: "Deleterious"; PolyPhen-2: "Probably Damaging"; Align-GVGD: "Class C0"). This variant has not been reported in the literature in individuals affected with ADGRV1-related conditions. This variant is not present in population databases (gnomAD no frequency). This sequence change replaces tyrosine, which is neutral and polar, with cysteine, which is neutral and slightly polar, at codon 1605 of the ADGRV1 protein (p.Tyr1605Cys).

NM_032119.4(ADGRV1):c.4814A>G (p.Tyr1605Cys)

Gene: ADGRV1 (adhesion G protein-coupled receptor V1; plus strand). Cytogenetic location: 5q14.3.
Variant type: single nucleotide variant.
Coding change: c.4814A>G on transcript NM_032119.4 (MANE Select); coding-DNA position 4814, A replaced by G.
Protein change: p.Tyr1605Cys; replaces tyrosine 1605 with cysteine.
Molecular consequence: missense variant. On other transcripts: non-coding transcript variant (1).
Genome position (GRCh38, 1-based): chr5:90,672,607, A>G. VCF-style: chr5-90672607-A-G. GRCh37 (hg19) VCF-style: chr5-89968424-A-G.
Other names: short protein forms Y1605C.
Identifiers: ClinVar variation 2110216 (VCV002110216.4), dbSNP rs1023218036, ClinGen allele CA122798915.